The following is an entry in ClinVar:

NM_001271.4(CHD2):c.2932G>T (p.Asp978Tyr)

Genes: CHD2 (chromodomain helicase DNA binding protein 2; plus strand), LOC126862230 (P300/CBP strongly-dependent group 1 enhancer GRCh37_chr15:93523977-93525176; plus strand). Cytogenetic location: 15q26.1.
Variant type: single nucleotide variant.
Coding change: c.2932G>T on transcript NM_001271.4 (MANE Select); coding-DNA position 2932, G replaced by T.
Protein change: p.Asp978Tyr; replaces aspartic acid 978 with tyrosine.
Molecular consequence: missense variant.
Genome position (GRCh38, 1-based): chr15:92,980,870, G>T. VCF-style: chr15-92980870-G-T. GRCh37 (hg19) VCF-style: chr15-93524100-G-T.
Other names: short protein forms D978Y.
Identifiers: ClinVar variation 1797836 (VCV001797836.4), dbSNP rs779702501, ClinGen allele CA7748099.

ClinVar aggregate classification (germline): Uncertain significance. Review status: criteria provided, multiple submitters, no conflicts (2 of 4 stars). 2 submissions from 2 submitters: Uncertain significance (2). Last evaluated 2024-08-21.

Conditions:
Developmental and epileptic encephalopathy 94 (DEE94). Also called: CHD2-Related Neurodevelopmental Disorders; Epileptic encephalopathy, childhood-onset. Identifiers: Orphanet 1942, Orphanet 2382, MedGen C3809278, MONDO:0014150, OMIM 615369.
Inborn genetic diseases. Identifiers: MedGen C0950123, MeSH D030342.

Allele frequency attached by ClinVar (database versions not stated): gnomAD exomes below 0.00001; TOPMed below 0.00001; gnomAD 0.00001; ExAC 0.00002.
gnomAD v4.1: 6 of 1,613,682 alleles (0.00037%); highest among the groups gnomAD compares: Admixed American, 0.0017%; no homozygotes.

Submissions (2):

Labcorp Genetics (formerly Invitae), Labcorp
Classification: Uncertain significance for Developmental and epileptic encephalopathy 94. Last evaluated: 2024-08-21. Review status: criteria provided, single submitter. Criteria: Invitae Variant Classification Sherloc (09022015). Collection method: clinical testing. Allele origin: germline.
Comment: This sequence change replaces aspartic acid, which is acidic and polar, with tyrosine, which is neutral and polar, at codon 978 of the CHD2 protein (p.Asp978Tyr). This variant is present in population databases (rs779702501, gnomAD 0.002%). This variant has not been reported in the literature in individuals affected with CHD2-related conditions. ClinVar contains an entry for this variant (Variation ID: 1797836). Invitae Evidence Modeling of protein sequence and biophysical properties (such as structural, functional, and spatial information, amino acid conservation, physicochemical variation, residue mobility, and thermodynamic stability) indicates that this missense variant is not expected to disrupt CHD2 protein function with a negative predictive value of 95%. In summary, the available evidence is currently insufficient to determine the role of this variant in disease. Therefore, it has been classified as a Variant of Uncertain Significance.

Ambry Genetics
Classification: Uncertain significance for Inborn genetic diseases. Last evaluated: 2020-03-19. Review status: criteria provided, single submitter. Criteria: Ambry Variant Classification Scheme 2023. Collection method: clinical testing. Allele origin: germline.
Comment: The p.D978Y variant (also known as c.2932G>T), located in coding exon 22 of the CHD2 gene, results from a G to T substitution at nucleotide position 2932. The aspartic acid at codon 978 is replaced by tyrosine, an amino acid with highly dissimilar properties. This amino acid position is well conserved in available vertebrate species. In addition, this alteration is predicted to be deleterious by in silico analysis. Since supporting evidence is limited at this time, the clinical significance of this alteration remains unclear.